The following is an entry in ClinVar:

NM_000632.4(ITGAM):c.1449C>T (p.Tyr483=)

Gene: ITGAM (integrin subunit alpha M; plus strand). Cytogenetic location: 16p11.2.
Variant type: single nucleotide variant.
Coding change: c.1449C>T on transcript NM_000632.4 (MANE Select); coding-DNA position 1449, C replaced by T.
Protein change: p.Tyr483=; no amino-acid change (tyrosine 483 retained).
Molecular consequence: synonymous variant.
Genome position (GRCh38, 1-based): chr16:31,297,606, C>T. VCF-style: chr16-31297606-C-T. GRCh37 (hg19) VCF-style: chr16-31308927-C-T.
Other names: c.1449C>T, p.Tyr483= (NM_001145808.2).
Identifiers: ClinVar variation 2060042 (VCV002060042.28), dbSNP rs374182650, ClinGen allele CA8025549.

ClinVar aggregate classification (germline): Likely benign. Review status: criteria provided, multiple submitters, no conflicts (2 of 4 stars). 2 submissions from 2 submitters: Likely benign (2). Last evaluated 2025-12-21.

Allele frequency attached by ClinVar (database versions not stated): gnomAD exomes 0.00006; ExAC 0.00007; TOPMed 0.00017; gnomAD 0.00019; ESP Exome Variant Server 0.00039.
gnomAD v4.1: 112 of 1,612,954 alleles (0.0069%); highest among the groups gnomAD compares: African/African-American, 0.053%; no homozygotes.

Submissions (2):

Labcorp Genetics (formerly Invitae), Labcorp
Classification: Likely benign. Last evaluated: 2025-12-21. Review status: criteria provided, single submitter. Criteria: Invitae Variant Classification Sherloc (09022015). Collection method: clinical testing. Allele origin: germline.

CeGaT Center for Human Genetics Tuebingen
Classification: Likely benign. Last evaluated: 2023-01-01. Review status: criteria provided, single submitter. Criteria: CeGaT Center For Human Genetics Tuebingen Variant Classification Criteria Version 2. Collection method: clinical testing. Allele origin: germline. Affected: yes. Observed: 2 variant alleles.
Comment: ITGAM: BP4, BP7